The following is an entry in ClinVar:

ClinVar aggregate classification (germline): Uncertain significance. Review status: criteria provided, multiple submitters, no conflicts (2 of 4 stars). 2 submissions from 2 submitters: Uncertain significance (2). Last evaluated 2025-01-06.

Conditions:
Inborn genetic diseases. Identifiers: MedGen C0950123, MeSH D030342.

Allele frequency attached by ClinVar (database versions not stated): gnomAD exomes 0.00002; ExAC 0.00012; ESP Exome Variant Server 0.00015; TOPMed 0.00031.
gnomAD v4.1: 84 of 1,614,030 alleles (0.0052%); highest among the groups gnomAD compares: African/African-American, 0.11%; no homozygotes.

Submissions (2):

Labcorp Genetics (formerly Invitae), Labcorp
Classification: Uncertain significance. Last evaluated: 2025-01-06. Review status: criteria provided, single submitter. Criteria: Invitae Variant Classification Sherloc (09022015). Collection method: clinical testing. Allele origin: germline.
Comment: This sequence change replaces proline, which is neutral and non-polar, with leucine, which is neutral and non-polar, at codon 200 of the NDUFA10 protein (p.Pro200Leu). This variant is present in population databases (rs140102385, gnomAD 0.1%). This variant has not been reported in the literature in individuals affected with NDUFA10-related conditions. ClinVar contains an entry for this variant (Variation ID: 2045423). Invitae Evidence Modeling of protein sequence and biophysical properties (such as structural, functional, and spatial information, amino acid conservation, physicochemical variation, residue mobility, and thermodynamic stability) indicates that this missense variant is expected to disrupt NDUFA10 protein function with a positive predictive value of 80%. In summary, the available evidence is currently insufficient to determine the role of this variant in disease. Therefore, it has been classified as a Variant of Uncertain Significance.

Ambry Genetics
Classification: Uncertain significance for Inborn genetic diseases. Last evaluated: 2021-05-04. Review status: criteria provided, single submitter. Criteria: Ambry Variant Classification Scheme 2023. Collection method: clinical testing. Allele origin: germline.

NM_004544.4(NDUFA10):c.599C>T (p.Pro200Leu)

Gene: NDUFA10 (NADH:ubiquinone oxidoreductase subunit A10; minus strand). Cytogenetic location: 2q37.3.
Variant type: single nucleotide variant.
Coding change: c.599C>T on transcript NM_004544.4 (MANE Select); coding-DNA position 599, C replaced by T.
Protein change: p.Pro200Leu; replaces proline 200 with leucine.
Molecular consequence: missense variant. On other transcripts: non-coding transcript variant (4).
Genome position (GRCh38, 1-based): chr2:240,014,809, G>A on the plus strand (C>T on the coding strand, the complement: NDUFA10 is on the minus strand). VCF-style: chr2-240014809-G-A. GRCh37 (hg19) VCF-style: chr2-240954226-G-A.
Other names: c.599C>T, p.Pro200Leu (NM_001322019.2, NM_001322020.2, NM_001410987.1); short protein forms P200L.
Identifiers: ClinVar variation 2045423 (VCV002045423.4), dbSNP rs140102385, ClinGen allele CA2200948.